The following is an entry in ClinVar:

NM_145239.3(PRRT2):c.557C>A (p.Pro186His)

Genes: MVP-DT (MVP divergent transcript; minus strand), PRRT2 (proline rich transmembrane protein 2; plus strand). Cytogenetic location: 16p11.2.
Variant type: single nucleotide variant.
Coding change: c.557C>A on transcript NM_145239.3 (MANE Select); coding-DNA position 557, C replaced by A.
Protein change: p.Pro186His; replaces proline 186 with histidine.
Molecular consequence: missense variant.
Genome position (GRCh38, 1-based): chr16:29,813,611, C>A. VCF-style: chr16-29813611-C-A. GRCh37 (hg19) VCF-style: chr16-29824932-C-A.
Other names: c.557C>A, p.Pro186His (NM_001256442.2, NM_001256443.2, NM_001438120.1 and 2 more transcripts); short protein forms P186H.
Identifiers: ClinVar variation 4984218 (VCV004984218.1).

ClinVar aggregate classification (germline): Uncertain significance (1 of 4 stars; one submission).

Conditions:
PRRT2-Related Disorder. Also called: PRRT2-related disorders. Identifiers: MedGen CN381059.

Submission:

PreventionGenetics, part of Exact Sciences
Classification: Uncertain significance for PRRT2-related condition. Last evaluated: 2025-03-06. Review status: criteria provided, single submitter. Criteria: ACMG Guidelines, 2015. Collection method: clinical testing. Allele origin: germline.
Comment: The PRRT2 c.557C>A variant is predicted to result in the amino acid substitution p.Pro186His. To our knowledge, this variant has not been reported in the literature or in a large population database (gnomAD), indicating this variant is rare. At this time, the clinical significance of this variant is uncertain due to the absence of conclusive functional and genetic evidence.